The following is an entry in ClinVar:

ClinVar aggregate classification (germline): Uncertain significance. Review status: criteria provided, multiple submitters, no conflicts (2 of 4 stars). 3 submissions from 3 submitters: Uncertain significance (3). Last evaluated 2025-05-19.

Conditions:
GATA2-related disorder. Also called: GATA2-Related Disorders; GATA2-related condition.
Inborn genetic diseases. Identifiers: MedGen C0950123, MeSH D030342.
Monocytopenia with susceptibility to infections. Also called: MONOCYTOPENIA AND MYCOBACTERIAL INFECTION SYNDROME; MONOCYTOPENIA WITH SUSCEPTIBILITY TO MYCOBACTERIAL, FUNGAL, AND PAPILLOMAVIRUS INFECTIONS AND MYELODYSPLASIA; COMBINED IMMUNODEFICIENCY WITH SUSCEPTIBILITY TO MYCOBACTERIAL, VIRAL, AND FUNGAL INFECTIONS; Dendritic cell, monocyte, B lymphocyte, and natural killer lymphocyte deficiency; IMMUNODEFICIENCY 21; GATA2 DEFICIENCY. Identifiers: Orphanet 228423, MedGen C3280030, MONDO:0013607, OMIM 614172.
Deafness-lymphedema-leukemia syndrome. Also called: Lymphedema, primary, with myelodysplasia; Emberger syndrome. Identifiers: Orphanet 3226, MedGen C3279664, MONDO:0013540, OMIM 614038.

Allele frequency attached by ClinVar (database versions not stated): gnomAD exomes below 0.00001; TOPMed below 0.00001.
gnomAD v4.1: 2 of 1,569,930 alleles (0.00013%); highest among the groups gnomAD compares: Non-Finnish European, 0.00017%; no homozygotes.

Submissions (3):

Ambry Genetics
Classification: Uncertain significance for Inborn genetic diseases. Last evaluated: 2025-05-19. Review status: criteria provided, single submitter. Criteria: Ambry Variant Classification Scheme 2023. Collection method: clinical testing. Allele origin: germline.
Comment: The p.H113R variant (also known as c.338A>G), located in coding exon 2 of the GATA2 gene, results from an A to G substitution at nucleotide position 338. The histidine at codon 113 is replaced by arginine, an amino acid with highly similar properties. This amino acid position is well conserved in available vertebrate species. In addition, the in silico prediction for this alteration is inconclusive. Based on the available evidence, the clinical significance of this variant remains unclear.

PreventionGenetics, part of Exact Sciences
Classification: Uncertain significance for GATA2-related condition. Last evaluated: 2024-10-22. Review status: criteria provided, single submitter. Criteria: ACMG Guidelines, 2015. Collection method: clinical testing. Allele origin: germline.
Comment: The GATA2 c.338A>G variant is predicted to result in the amino acid substitution p.His113Arg. To our knowledge, this variant has not been reported in the literature or in a large population database (gnomAD), indicating this variant is rare. At this time, the clinical significance of this variant is uncertain due to the absence of conclusive functional and genetic evidence.

Labcorp Genetics (formerly Invitae), Labcorp
Classification: Uncertain significance for Monocytopenia with susceptibility to infections; Deafness-lymphedema-leukemia syndrome. Last evaluated: 2024-07-25. Review status: criteria provided, single submitter. Criteria: Invitae Variant Classification Sherloc (09022015). Collection method: clinical testing. Allele origin: germline.
Comment: This sequence change replaces histidine, which is basic and polar, with arginine, which is basic and polar, at codon 113 of the GATA2 protein (p.His113Arg). This variant is not present in population databases (gnomAD no frequency). This variant has not been reported in the literature in individuals affected with GATA2-related conditions. ClinVar contains an entry for this variant (Variation ID: 666189). Advanced modeling of protein sequence and biophysical properties (such as structural, functional, and spatial information, amino acid conservation, physicochemical variation, residue mobility, and thermodynamic stability) has been performed at Invitae for this missense variant, however the output from this modeling did not meet the statistical confidence thresholds required to predict the impact of this variant on GATA2 protein function. In summary, the available evidence is currently insufficient to determine the role of this variant in disease. Therefore, it has been classified as a Variant of Uncertain Significance.

NM_032638.5(GATA2):c.338A>G (p.His113Arg)

Gene: GATA2 (GATA binding protein 2; minus strand). Cytogenetic location: 3q21.3.
Variant type: single nucleotide variant.
Coding change: c.338A>G on transcript NM_032638.5 (MANE Select); coding-DNA position 338, A replaced by G.
Protein change: p.His113Arg; replaces histidine 113 with arginine.
Molecular consequence: missense variant.
Genome position (GRCh38, 1-based): chr3:128,486,260, T>C on the plus strand (A>G on the coding strand, the complement: GATA2 is on the minus strand). VCF-style: chr3-128486260-T-C. GRCh37 (hg19) VCF-style: chr3-128205103-T-C.
Other names: c.338A>G (NM_001145661.1); c.338A>G, p.His113Arg (NM_001145661.2, NM_001145662.1); short protein forms H113R.
Identifiers: ClinVar variation 666189 (VCV000666189.13), dbSNP rs1576749120, ClinGen allele CA354407257.